The following is an entry in ClinVar:

ClinVar aggregate classification (germline): Pathogenic. Review status: criteria provided, multiple submitters, no conflicts (2 of 4 stars). 7 submissions from 7 submitters: Pathogenic (6). 1 of the submissions does not count toward it. Last evaluated 2025-12-02.

Conditions:
Tuberous sclerosis syndrome (TSC). Also called: Tuberous Sclerosis Complex; Tuberous sclerosis. Identifiers: Orphanet 805, MedGen C0041341, MONDO:0001734.
Tuberous sclerosis 2 (TSC2). Identifiers: Orphanet 805, MedGen C1860707, MONDO:0013199, OMIM 613254.

Submissions (7):

Clinical Genomics Laboratory, Washington University in St. Louis
Classification: Pathogenic for Tuberous sclerosis 2. Last evaluated: 2025-12-02. Review status: criteria provided, single submitter. Criteria: ACMG Guidelines, 2015. Collection method: clinical testing. Allele origin: germline.
Comment: A TSC2 c.5161-1G>C variant was identified at a near heterozygous allelic fraction of 49.8%, a frequency which may be consistent with it being of germline origin. This variant has been reported in several individuals affected with tuberous sclerosis (Au KS et al., PMID: 17304050; Jones AC et al., PMID: 10205261; Dabora SL et al., PMID: 11112665; Domingo-Gallego A et al., PMID: 33532864). It has been reported in the ClinVar database as a germline pathogenic variant in tuberous sclerosis by several submitters (Variation ID: 49944). This variant is absent from the general population (gnomAD v4.1.0), indicating it is not a common variant. It occurs within the canonical splice acceptor site, which is predicted to cause skipping of the exon, leading to an in-frame transcript. Based on available information and the ACMG/AMP guidelines for variant interpretation (Richards S et al., PMID: 25741868), this variant is classified as pathogenic.

GeneDx
Classification: Pathogenic. Last evaluated: 2025-01-24. Review status: criteria provided, single submitter. Criteria: GeneDx Variant Classification Process June 2021. Collection method: clinical testing. Allele origin: germline. Affected: yes.
Comment: Canonical splice site variant predicted to result in an in-frame loss of the adjacent exon in a gene for which loss of function is a known mechanism of disease; Not observed at significant frequency in large population cohorts (gnomAD); Deletions involving coding exons of this gene are a known mechanism of disease (HGMD; other references); This variant is associated with the following publications: (PMID: 25525159, 25498131, 33532864, 29801666, 29619257, 34746849)

3billion
Classification: Pathogenic for Tuberous sclerosis 2. Last evaluated: 2024-11-22. Review status: criteria provided, single submitter. Criteria: ACMG Guidelines, 2015. Collection method: clinical testing. Allele origin: germline. Affected: yes.
Comment: The variant is not observed in the gnomAD v4.1.0 dataset. Predicted Consequence/Location: Canonical splice site: predicted to alter splicing and result in a loss or disruption of normal protein function. Multiple pathogenic loss-of-function variants are reported downstream of the variant. In silico tools predict the variant to alter splicing and produce an abnormal transcript [SpliceAI: 0.99 (spliceogenicity >=0.2, non-spliceogenicity <0.1)]. The variant has been reported at least twice as pathogenic with clinical assertions and evidence for the classification (ClinVar ID: VCV000049944). Therefore, this variant is classified as Pathogenic according to the recommendation of ACMG/AMP guideline.

Labcorp Genetics (formerly Invitae), Labcorp
Classification: Pathogenic for Tuberous sclerosis 2. Last evaluated: 2022-12-20. Review status: criteria provided, single submitter. Criteria: Invitae Variant Classification Sherloc (09022015). Collection method: clinical testing. Allele origin: germline.
Comment: ClinVar contains an entry for this variant (Variation ID: 49944). For these reasons, this variant has been classified as Pathogenic. Algorithms developed to predict the effect of sequence changes on RNA splicing suggest that this variant may disrupt the consensus splice site. Disruption of this splice site has been observed in individuals with tuberous sclerosis complex (PMID: 11112665, 29801666). This variant is not present in population databases (gnomAD no frequency). This sequence change affects an acceptor splice site in intron 40 of the TSC2 gene. It is expected to disrupt RNA splicing. Variants that disrupt the donor or acceptor splice site typically lead to a loss of protein function (PMID: 16199547), and loss-of-function variants in TSC2 are known to be pathogenic (PMID: 10205261, 17304050).

Genome-Nilou Lab
Classification: Pathogenic for Tuberous sclerosis 2. Last evaluated: 2021-11-07. Review status: criteria provided, single submitter. Criteria: ACMG Guidelines, 2015. Collection method: clinical testing. Allele origin: germline. Affected: no.

Molecular Biology Laboratory, Fundació Puigvert
Classification: Pathogenic for Tuberous sclerosis 2. Last evaluated: 2020-02-01. Review status: criteria provided, single submitter. Criteria: ACMG Guidelines, 2015. Collection method: research. Allele origin: germline. Affected: yes. Study: KidneyPanel_2020.

Tuberous sclerosis database (TSC2)
No classification provided. Condition: TSC. Review status: no classification provided. Criteria: Tuberous Sclerosis Database Assertion Criteria 2015. Collection method: curation. Allele origin: germline. Affected: yes. Not counted in ClinVar's aggregate classification.

Literature cited by the submitters: PubMed 11112665 (cited by Labcorp Genetics (formerly Invitae), Labcorp); PubMed 29801666 (cited by Labcorp Genetics (formerly Invitae), Labcorp); PubMed 16199547 (cited by Labcorp Genetics (formerly Invitae), Labcorp); PubMed 10205261 (cited by Labcorp Genetics (formerly Invitae), Labcorp); PubMed 17304050 (cited by Labcorp Genetics (formerly Invitae), Labcorp); PubMed 33532864 (cited by Molecular Biology Laboratory, Fundació Puigvert).

NM_000548.5(TSC2):c.5161-1G>C

Gene: TSC2 (TSC complex subunit 2; plus strand). Cytogenetic location: 16p13.3.
Variant type: single nucleotide variant.
Coding change: c.5161-1G>C on transcript NM_000548.5 (MANE Select); the canonical splice acceptor site of the intron before coding-DNA position 5161, G replaced by C.
Molecular consequence: splice acceptor variant. On other transcripts: intron variant (1).
Genome position (GRCh38, 1-based): chr16:2,088,226, G>C. VCF-style: chr16-2088226-G-C. GRCh37 (hg19) VCF-style: chr16-2138227-G-C.
Other names: c.3619-1G>C (NM_001406693.1, NM_001406692.1, NM_001406694.1); c.5053-1G>C (NM_001406667.1); c.5050-1G>C (NM_001406668.1); c.4561-1G>C (NM_001406680.1); c.4492-1G>C (NM_001406683.1, NM_001406682.1); c.4360-1G>C (NM_001406687.1, NM_001406688.1); c.3748-1G>C (NM_001406689.1); c.3688-1G>C (NM_001406690.1); and 27 more.
Identifiers: ClinVar variation 49944 (VCV000049944.16), dbSNP rs45517404, ClinGen allele CA022014.